The following is an entry in ClinVar:

NM_003801.4(GPAA1):c.515-2A>G

Gene: GPAA1 (glycosylphosphatidylinositol anchor attachment 1; plus strand). Cytogenetic location: 8q24.3.
Variant type: single nucleotide variant.
Coding change: c.515-2A>G on transcript NM_003801.4 (MANE Select); the canonical splice acceptor site of the intron before coding-DNA position 515, A replaced by G.
Molecular consequence: splice acceptor variant.
Genome position (GRCh38, 1-based): chr8:144,083,937, A>G. VCF-style: chr8-144083937-A-G. GRCh37 (hg19) VCF-style: chr8-145138840-A-G.
Identifiers: ClinVar variation 1504691 (VCV001504691.8), dbSNP rs1564304413, ClinGen allele CA372599429.

ClinVar aggregate classification (germline): Likely pathogenic (1 of 4 stars; one submission).

Allele frequency attached by ClinVar (database versions not stated): gnomAD exomes 0.00001.

Submission:

Labcorp Genetics (formerly Invitae), Labcorp
Classification: Likely pathogenic. Last evaluated: 2021-03-28. Review status: criteria provided, single submitter. Criteria: Invitae Variant Classification Sherloc (09022015). Collection method: clinical testing. Allele origin: germline.
Comment: This sequence change affects an acceptor splice site in intron 4 of the GPAA1 gene. It is expected to disrupt RNA splicing. Variants that disrupt the donor or acceptor splice site typically lead to a loss of protein function (PMID: 16199547), and loss-of-function variants in GPAA1 are known to be pathogenic (PMID: 29100095). This variant is not present in population databases (ExAC no frequency). This variant has not been reported in the literature in individuals with GPAA1-related conditions. In summary, the currently available evidence indicates that the variant is pathogenic, but additional data are needed to prove that conclusively. Therefore, this variant has been classified as Likely Pathogenic.

Literature cited by the submitters: PubMed 16199547; PubMed 29100095.